The following is an entry in ClinVar:

NM_000057.4(BLM):c.2158A>G (p.Ile720Val)

Gene: BLM (BLM RecQ like helicase; plus strand). Cytogenetic location: 15q26.1.
Variant type: single nucleotide variant.
Coding change: c.2158A>G on transcript NM_000057.4 (MANE Select); coding-DNA position 2158, A replaced by G.
Protein change: p.Ile720Val; replaces isoleucine 720 with valine.
Molecular consequence: missense variant.
Genome position (GRCh38, 1-based): chr15:90,765,379, A>G. VCF-style: chr15-90765379-A-G. GRCh37 (hg19) VCF-style: chr15-91308609-A-G.
Other names: c.2158A>G, p.Ile720Val (NM_001287246.2, NM_001287247.2); c.1033A>G, p.Ile345Val (NM_001287248.2); short protein forms I720V, I345V.
Identifiers: ClinVar variation 3261009 (VCV003261009.1).

ClinVar aggregate classification (germline): Uncertain significance (1 of 4 stars; one submission).

Conditions:
Hereditary cancer-predisposing syndrome. Also called: Hereditary Cancer Syndrome; Tumor predisposition; Hereditary neoplastic syndrome; Neoplastic Syndromes, Hereditary. Identifiers: Orphanet 140162, MedGen C0027672, MeSH D009386, MONDO:0015356.

Submission:

Ambry Genetics
Classification: Uncertain significance for Hereditary cancer-predisposing syndrome. Last evaluated: 2024-03-17. Review status: criteria provided, single submitter. Criteria: Ambry Variant Classification Scheme 2023. Collection method: clinical testing. Allele origin: germline.
Comment: The p.I720V variant (also known as c.2158A>G), located in coding exon 8 of the BLM gene, results from an A to G substitution at nucleotide position 2158. The isoleucine at codon 720 is replaced by valine, an amino acid with highly similar properties. This amino acid position is conserved. In addition, the in silico prediction for this alteration is inconclusive. Based on the available evidence, the clinical significance of this alteration remains unclear.